The following is an entry in ClinVar:

ClinVar aggregate classification (germline): Uncertain significance (1 of 4 stars; one submission).

Allele frequency attached by ClinVar (database versions not stated): TOPMed below 0.00001; gnomAD exomes 0.00001.
gnomAD v4.1: 3 of 1,614,046 alleles (0.00019%); highest among the groups gnomAD compares: Admixed American, 0.0017%; no homozygotes.

Submission:

Labcorp Genetics (formerly Invitae), Labcorp
Classification: Uncertain significance. Last evaluated: 2024-12-09. Review status: criteria provided, single submitter. Criteria: Invitae Variant Classification Sherloc (09022015). Collection method: clinical testing. Allele origin: germline.
Comment: This sequence change replaces serine, which is neutral and polar, with asparagine, which is neutral and polar, at codon 2983 of the VPS13D protein (p.Ser2983Asn). This variant is present in population databases (no rsID available, gnomAD 0.003%). This variant has not been reported in the literature in individuals affected with VPS13D-related conditions. ClinVar contains an entry for this variant (Variation ID: 1940923). Invitae Evidence Modeling of protein sequence and biophysical properties (such as structural, functional, and spatial information, amino acid conservation, physicochemical variation, residue mobility, and thermodynamic stability) has been performed for this missense variant. However, the output from this modeling did not meet the statistical confidence thresholds required to predict the impact of this variant on VPS13D protein function. In summary, the available evidence is currently insufficient to determine the role of this variant in disease. Therefore, it has been classified as a Variant of Uncertain Significance.

NM_015378.4(VPS13D):c.8948G>A (p.Ser2983Asn)

Gene: VPS13D (vacuolar protein sorting 13 homolog D; plus strand). Cytogenetic location: 1p36.22.
Variant type: single nucleotide variant.
Coding change: c.8948G>A on transcript NM_015378.4 (MANE Select); coding-DNA position 8948, G replaced by A.
Protein change: p.Ser2983Asn; replaces serine 2983 with asparagine.
Molecular consequence: missense variant.
Genome position (GRCh38, 1-based): chr1:12,345,436, G>A. VCF-style: chr1-12345436-G-A. GRCh37 (hg19) VCF-style: chr1-12405493-G-A.
Other names: c.8873G>A, p.Ser2958Asn (NM_018156.4); short protein forms S2983N, S2958N.
Identifiers: ClinVar variation 1940923 (VCV001940923.5), dbSNP rs1352679932, ClinGen allele CA338490730.